The following is an entry in ClinVar:

NM_001039141.3(TRIOBP):c.6387G>A (p.Leu2129=)

Gene: TRIOBP (TRIO and F-actin binding protein; plus strand). Cytogenetic location: 22q13.1.
Variant type: single nucleotide variant.
Coding change: c.6387G>A on transcript NM_001039141.3 (MANE Select); coding-DNA position 6387, G replaced by A.
Protein change: p.Leu2129=; no amino-acid change (leucine 2129 retained).
Molecular consequence: synonymous variant.
Genome position (GRCh38, 1-based): chr22:37,765,732, G>A. VCF-style: chr22-37765732-G-A. GRCh37 (hg19) VCF-style: chr22-38161739-G-A.
Other names: c.1248G>A, p.Leu416= (NM_007032.5).
Identifiers: ClinVar variation 5039547 (VCV005039547.1).

ClinVar aggregate classification (germline): Likely benign (1 of 4 stars; one submission).

Submission:

CeGaT Center for Human Genetics Tuebingen
Classification: Likely benign. Last evaluated: 2026-07-01. Review status: criteria provided, single submitter. Criteria: CeGaT Center For Human Genetics Tuebingen Variant Classification Criteria Version 2. Collection method: clinical testing. Allele origin: germline. Affected: yes. Observed: 1 variant allele.
Comment: TRIOBP: BP4, BP7